The following is an entry in ClinVar:

ClinVar aggregate classification (germline): Conflicting classifications of pathogenicity. Review status: criteria provided, conflicting classifications (1 of 4 stars). 3 submissions from 3 submitters: Likely pathogenic (2); Uncertain significance (1). Last evaluated 2026-04-14.

Conditions:
Hypoparathyroidism, deafness, renal disease syndrome (HDRS). Also called: HYPOPARATHYROIDISM, SENSORINEURAL DEAFNESS, AND RENAL DYSPLASIA SYNDROME. Identifiers: Orphanet 2237, MedGen C1840333, MONDO:0007797, OMIM 146255.
GATA3-related disorder. Also called: GATA3-related condition.

Submissions (3):

PreventionGenetics, part of Exact Sciences
Classification: Likely pathogenic for GATA3-related condition. Last evaluated: 2026-04-14. Review status: criteria provided, single submitter. Criteria: ACMG Guidelines, 2015. Collection method: clinical testing. Allele origin: germline.
Comment: The GATA3 c.859G>A variant is predicted to result in the amino acid substitution p.Ala287Thr. This variant has been reported de novo in an individual with left ventricular obstruction with extracardiac anomalies; however, this individual also carried additional de novo variants (Jin et al. 2017. PubMed ID: 28991257). This variant has not been reported in a large population database (gnomAD), indicating it is rare. This variant has been observed at another CLIA-certified laboratory as a de novo variant in an individual with clinical features consistent with GATA3-related disorders (internal data). This variant is interpreted as likely pathogenic.

GeneDx
Classification: Likely pathogenic. Last evaluated: 2024-12-19. Review status: criteria provided, single submitter. Criteria: GeneDx Variant Classification Process June 2021. Collection method: clinical testing. Allele origin: germline. Affected: yes.
Comment: Not observed at significant frequency in large population cohorts (gnomAD); In silico analysis supports that this missense variant has a deleterious effect on protein structure/function; This variant is associated with the following publications: (PMID: 32368696, 26537828, 28991257)

3billion
Classification: Uncertain significance for Hypoparathyroidism, deafness, renal disease syndrome. Last evaluated: 2023-02-23. Review status: criteria provided, single submitter. Criteria: ACMG Guidelines, 2015. Collection method: clinical testing. Allele origin: unknown. Affected: yes.
Comment: The variant is not observed in the gnomAD v2.1.1 dataset. In silico tool predictions suggest damaging effect of the variant on gene or gene product (REVEL: 0.86; 3Cnet: 0.97). Therefore, this variant is classified as VUS according to the recommendation of ACMG/AMP guideline.

NM_001002295.2(GATA3):c.859G>A (p.Ala287Thr)

Gene: GATA3 (GATA binding protein 3; plus strand). Cytogenetic location: 10p14.
Variant type: single nucleotide variant.
Coding change: c.859G>A on transcript NM_001002295.2 (MANE Select); coding-DNA position 859, G replaced by A.
Protein change: p.Ala287Thr; replaces alanine 287 with threonine.
Molecular consequence: missense variant.
Genome position (GRCh38, 1-based): chr10:8,064,073, G>A. VCF-style: chr10-8064073-G-A. GRCh37 (hg19) VCF-style: chr10-8106036-G-A.
Other names: c.859G>A (NM_001002295.1); c.856G>A, p.Ala286Thr (NM_002051.3); short protein forms A286T, A287T.
Identifiers: ClinVar variation 2444206 (VCV002444206.3), dbSNP rs2491485235, ClinGen allele CA375973544.
Genomic context (GRCh38, chr10:8,064,073, plus strand): 5'-TGTGGGGCAACCTCGACCCCACTGTGGCGGCGAGATGGCACGGGACACTACCTGTGCAAC[G>A]CCTGCGGGCTCTATCACAAAATGAACGGACAGAACCGGCCCCTCATTAAGCCCAAGCGAA-3'
Protein context (NP_001002295.1, residues 277-297): RDGTGHYLCN[Ala287Thr]CGLYHKMNGQ